The following is an entry in ClinVar:

NM_003002.4(SDHD):c.435C>T (p.His145=)

Gene: SDHD (succinate dehydrogenase complex subunit D; plus strand). Cytogenetic location: 11q23.1.
Variant type: single nucleotide variant.
Coding change: c.435C>T on transcript NM_003002.4 (MANE Select); coding-DNA position 435, C replaced by T.
Protein change: p.His145=; no amino-acid change (histidine 145 retained).
Molecular consequence: synonymous variant. On other transcripts: 3 prime UTR variant (2), non-coding transcript variant (1).
Genome position (GRCh38, 1-based): chr11:112,094,925, C>T. VCF-style: chr11-112094925-C-T. GRCh37 (hg19) VCF-style: chr11-111965649-C-T.
Other names: c.*32C>T (NM_001276503.2); c.318C>T, p.His106= (NM_001276504.2); c.*133C>T (NM_001276506.2).
Identifiers: ClinVar variation 465239 (VCV000465239.45), dbSNP rs200062830, ClinGen allele CA071406.

ClinVar aggregate classification (germline): Benign/Likely benign. Review status: criteria provided, multiple submitters, no conflicts (2 of 4 stars). 9 submissions from 9 submitters: Benign (2); Likely benign (7). Last evaluated 2026-01-25.

Conditions:
Hereditary cancer-predisposing syndrome. Also called: Hereditary neoplastic syndrome; Neoplastic Syndromes, Hereditary; Hereditary Cancer Syndrome; Tumor predisposition. Identifiers: Orphanet 140162, MedGen C0027672, MeSH D009386, MONDO:0015356.
Hereditary pheochromocytoma and paraganglioma. Also called: Hereditary Paraganglioma-Pheochromocytoma Syndromes; Hereditary paragangliomas and pheochromocytomas; Hereditary pheochromocytoma-paraganglioma. Identifiers: Orphanet 29072, MedGen C4274332, MONDO:0017366.
Pheochromocytoma/paraganglioma syndrome 1. Also called: PARAGANGLIOMAS, FAMILIAL NONCHROMAFFIN, 1; PGL 1; Paragangliomas familial 1; PARAGANGLIOMATA; Paraganglioma - glomus jugulare; Paragangliomas 1. Identifiers: Orphanet 29072, MedGen C3494181, MONDO:0008192, OMIM 168000.
Cowden syndrome 3 (CWS3). Identifiers: Orphanet 201, MedGen CN166604, MONDO:0014045.
Carney-Stratakis syndrome. Also called: PARAGANGLIOMA AND GASTROINTESTINAL STROMAL TUMOR. Identifiers: Orphanet 97286, MedGen C1847319, MONDO:0011740, OMIM 606864.
Pheochromocytoma. Also called: MAX-Related Hereditary Paraganglioma-Pheochromocytoma Syndrome. Identifiers: Orphanet 29072, MedGen C0031511, MONDO:0008233, OMIM 171300, HP:0002666.
Paragangliomas with sensorineural hearing loss. Identifiers: MedGen C1868633.

Allele frequency attached by ClinVar (database versions not stated): gnomAD exomes 0.00001 and 0.00002; ExAC 0.00002; gnomAD 0.00002; TOPMed 0.00003.
gnomAD v4.1: 13 of 1,610,950 alleles (0.00081%); highest among the groups gnomAD compares: Middle Eastern, 0.022%; no homozygotes.

Submissions (9):

Labcorp Genetics (formerly Invitae), Labcorp
Classification: Likely benign for Carney-Stratakis syndrome; Paragangliomas with sensorineural hearing loss; Pheochromocytoma; Cowden syndrome 3. Last evaluated: 2026-01-25. Review status: criteria provided, single submitter. Criteria: Invitae Variant Classification Sherloc (09022015). Collection method: clinical testing. Allele origin: germline.

Myriad Genetics, Inc.
Classification: Benign for Pheochromocytoma/paraganglioma syndrome 1. Last evaluated: 2025-03-18. Review status: criteria provided, single submitter. Criteria: Myriad Autosomal Dominant, Autosomal Recessive and X-Linked Classification Criteria (2023). Collection method: clinical testing. Allele origin: unknown.
Comment: This variant is considered benign. This variant is a silent/synonymous amino acid change and it is not expected to impact splicing.

Center for Genomic Medicine, Rigshospitalet, Copenhagen University Hospital
Classification: Likely benign. Last evaluated: 2025-03-04. Review status: criteria provided, single submitter. Criteria: ACMG Guidelines, 2015. Collection method: clinical testing. Allele origin: germline.

KCCC/NGS Laboratory, Kuwait Cancer Control Center
Classification: Benign for Pheochromocytoma/paraganglioma syndrome 1. Last evaluated: 2025-02-01. Review status: criteria provided, single submitter. Criteria: ACMG Guidelines, 2015. Collection method: clinical testing. Allele origin: germline. Affected: no.

Blueprint Genetics
Classification: Likely benign. Last evaluated: 2024-01-16. Review status: criteria provided, single submitter. Criteria: ACMG Guidelines, 2015. Collection method: clinical testing. Allele origin: germline.

All of Us Research Program, National Institutes of Health
Classification: Likely benign for Hereditary pheochromocytoma and paraganglioma. Last evaluated: 2023-09-17. Review status: criteria provided, single submitter. Criteria: ACMG Guidelines, 2015. Collection method: clinical testing. Allele origin: germline. Inheritance: Autosomal dominant inheritance. Observed: 7 variant alleles, 7 heterozygotes.
Comment: This study involves interpretation of variants in research participants for the purpose of population health screening. Participant phenotype was not available at the time of variant classification. Additional details can be found in publication PMID: 35346344, PMCID: PMC8962531

CeGaT Center for Human Genetics Tuebingen
Classification: Likely benign. Last evaluated: 2023-09-01. Review status: criteria provided, single submitter. Criteria: CeGaT Center For Human Genetics Tuebingen Variant Classification Criteria Version 2. Collection method: clinical testing. Allele origin: germline. Affected: yes. Observed: 2 variant alleles.
Comment: SDHD: BP4, BP7

Color Diagnostics, LLC DBA Color Health
Classification: Likely benign for Hereditary pheochromocytoma and paraganglioma. Last evaluated: 2022-11-06. Review status: criteria provided, single submitter. Criteria: ACMG Guidelines, 2015. Collection method: clinical testing. Allele origin: germline.

Ambry Genetics
Classification: Likely benign for Hereditary cancer-predisposing syndrome. Last evaluated: 2018-12-04. Review status: criteria provided, single submitter. Criteria: Ambry Variant Classification Scheme 2023. Collection method: clinical testing. Allele origin: germline.